The following is an entry in ClinVar:

NM_000481.4(AMT):c.856G>A (p.Gly286Ser)

Gene: AMT (aminomethyltransferase; minus strand). Cytogenetic location: 3p21.31.
Variant type: single nucleotide variant.
Coding change: c.856G>A on transcript NM_000481.4 (MANE Select); coding-DNA position 856, G replaced by A.
Protein change: p.Gly286Ser; replaces glycine 286 with serine.
Molecular consequence: missense variant. On other transcripts: non-coding transcript variant (1).
Genome position (GRCh38, 1-based): chr3:49,418,992, C>T on the plus strand (G>A on the coding strand, the complement: AMT is on the minus strand). VCF-style: chr3-49418992-C-T. GRCh37 (hg19) VCF-style: chr3-49456425-C-T.
Other names: c.724G>A, p.Gly242Ser (NM_001164710.2); c.688G>A, p.Gly230Ser (NM_001164711.2); c.856G>A, p.Gly286Ser (NM_001164712.2); short protein forms G242S, G286S, G230S.
Identifiers: ClinVar variation 842366 (VCV000842366.7), dbSNP rs778159864, ClinGen allele CA2398224.

ClinVar aggregate classification (germline): Uncertain significance. Review status: criteria provided, single submitter (1 of 4 stars). 2 submissions from 2 submitters: Uncertain significance (1). 1 of the submissions does not count toward it. Last evaluated 2022-06-20.

Conditions:
Glycine encephalopathy. Also called: Nonketotic hyperglycinemia; Non-ketotic hyperglycinemia. Identifiers: Orphanet 407, MedGen C0751748, MONDO:0011612, HP:0008288.

Allele frequency attached by ClinVar (database versions not stated): gnomAD exomes below 0.00001; ExAC 0.00001.
gnomAD v4.1: 1 of 1,613,958 alleles (0.000062%); highest among the groups gnomAD compares: South Asian, 0.0011%; no homozygotes.

Submissions (2):

Labcorp Genetics (formerly Invitae), Labcorp
Classification: Uncertain significance for Glycine encephalopathy. Last evaluated: 2022-06-20. Review status: criteria provided, single submitter. Criteria: Invitae Variant Classification Sherloc (09022015). Collection method: clinical testing. Allele origin: germline.
Comment: This sequence change replaces glycine, which is neutral and non-polar, with serine, which is neutral and polar, at codon 286 of the AMT protein (p.Gly286Ser). This variant is present in population databases (rs778159864, gnomAD 0.003%). This variant has not been reported in the literature in individuals affected with AMT-related conditions. ClinVar contains an entry for this variant (Variation ID: 842366). Advanced modeling of protein sequence and biophysical properties (such as structural, functional, and spatial information, amino acid conservation, physicochemical variation, residue mobility, and thermodynamic stability) performed at Invitae indicates that this missense variant is not expected to disrupt AMT protein function. In summary, the available evidence is currently insufficient to determine the role of this variant in disease. Therefore, it has been classified as a Variant of Uncertain Significance.

Natera, Inc.
Classification: Uncertain significance for Non-ketotic hyperglycinemia. Last evaluated: 2020-02-26. Review status: no assertion criteria provided. Collection method: clinical testing. Allele origin: germline. Not counted in ClinVar's aggregate classification.